The following is an entry in ClinVar:

ClinVar aggregate classification (germline): Pathogenic (1 of 4 stars; one submission).

Submission:

Labcorp Genetics (formerly Invitae), Labcorp
Classification: Pathogenic. Last evaluated: 2023-03-08. Review status: criteria provided, single submitter. Criteria: Invitae Variant Classification Sherloc (09022015). Collection method: clinical testing. Allele origin: germline.
Comment: This variant has not been reported in the literature in individuals affected with SIM1-related conditions. For these reasons, this variant has been classified as Pathogenic. This variant is not present in population databases (gnomAD no frequency). This sequence change creates a premature translational stop signal (p.Gly214Alafs*27) in the SIM1 gene. It is expected to result in an absent or disrupted protein product. Loss-of-function variants in SIM1 are known to be pathogenic (PMID: 11448938, 26077850, 29216354).

Literature cited by the submitters: PubMed 11448938; PubMed 26077850; PubMed 29216354.

NM_005068.3(SIM1):c.641del (p.Gly214fs)

Gene: SIM1 (SIM bHLH transcription factor 1; minus strand). Cytogenetic location: 6q16.3.
Variant type: Deletion.
Coding change: c.641del on transcript NM_005068.3 (MANE Select); coding-DNA position 641, one base deleted (G; older notation c.641delG).
Protein change: p.Gly214fs; shifts the reading frame from glycine 214.
Molecular consequence: frameshift variant.
Genome position (GRCh38, 1-based): chr6:100,448,581, C deleted on the plus strand (G on the coding strand, the reverse complement: SIM1 is on the minus strand); the first of 3 consecutive C bases (chr6:100,448,581-100,448,583); deleting any one gives the same sequence. VCF-style (leftmost placement, unchanged base first): chr6-100448580-GC-G. GRCh37 (hg19) VCF-style: chr6-100896456-GC-G.
Other names: c.641del, p.Gly214fs (NM_001374769.1); short protein forms G214fs.
Identifiers: ClinVar variation 2844233 (VCV002844233.3), dbSNP rs2482136480, ClinGen allele CA2739265604.